The following is an entry in ClinVar:

NM_139318.5(KCNH5):c.440C>T (p.Thr147Met)

Gene: KCNH5 (potassium voltage-gated channel subfamily H member 5; minus strand). Cytogenetic location: 14q23.2.
Variant type: single nucleotide variant.
Coding change: c.440C>T on transcript NM_139318.5 (MANE Select); coding-DNA position 440, C replaced by T.
Protein change: p.Thr147Met; replaces threonine 147 with methionine.
Molecular consequence: missense variant.
Genome position (GRCh38, 1-based): chr14:62,987,181, G>A on the plus strand (C>T on the coding strand, the complement: KCNH5 is on the minus strand). VCF-style: chr14-62987181-G-A. GRCh37 (hg19) VCF-style: chr14-63453899-G-A.
Other names: c.440C>T, p.Thr147Met (NM_172375.3); c.440C>T (NM_139318.3); short protein forms T147M.
Identifiers: ClinVar variation 860425 (VCV000860425.10), dbSNP rs180894715, ClinGen allele CA7217664.

ClinVar aggregate classification (germline): Uncertain significance. Review status: criteria provided, multiple submitters, no conflicts (2 of 4 stars). 2 submissions from 2 submitters: Uncertain significance (2). Last evaluated 2025-09-02.

Conditions:
Early-infantile DEE. Also called: Early infantile epileptic encephalopathy; Early infantile epileptic encephalopathy with suppression bursts; Ohtahara syndrome. Identifiers: Orphanet 1934, MedGen C0393706, MONDO:0800491.
Inborn genetic diseases. Identifiers: MedGen C0950123, MeSH D030342.

Allele frequency attached by ClinVar (database versions not stated): gnomAD exomes 0.00004; TOPMed 0.00005; gnomAD 0.00006; ExAC 0.00007; ESP Exome Variant Server 0.00015; 1000 Genomes Project 30x 0.00016; 1000 Genomes Project 0.00020.
gnomAD v4.1: 138 of 1,611,934 alleles (0.0086%); highest among the groups gnomAD compares: Non-Finnish European, 0.011%; no homozygotes.

Submissions (2):

Labcorp Genetics (formerly Invitae), Labcorp
Classification: Uncertain significance for Early-infantile DEE. Last evaluated: 2025-09-02. Review status: criteria provided, single submitter. Criteria: Invitae Variant Classification Sherloc (09022015). Collection method: clinical testing. Allele origin: germline.
Comment: This sequence change replaces threonine, which is neutral and polar, with methionine, which is neutral and non-polar, at codon 147 of the KCNH5 protein (p.Thr147Met). This variant is present in population databases (rs180894715, gnomAD 0.008%). This variant has not been reported in the literature in individuals affected with KCNH5-related conditions. ClinVar contains an entry for this variant (Variation ID: 860425). Invitae Evidence Modeling of protein sequence and biophysical properties (such as structural, functional, and spatial information, amino acid conservation, physicochemical variation, residue mobility, and thermodynamic stability) indicates that this missense variant is not expected to disrupt KCNH5 protein function with a negative predictive value of 95%. In summary, the available evidence is currently insufficient to determine the role of this variant in disease. Therefore, it has been classified as a Variant of Uncertain Significance.

Ambry Genetics
Classification: Uncertain significance for Inborn genetic diseases. Last evaluated: 2021-07-20. Review status: criteria provided, single submitter. Criteria: Ambry Variant Classification Scheme 2023. Collection method: clinical testing. Allele origin: germline.